The following is an entry in ClinVar:

ClinVar aggregate classification (germline): Benign/Likely benign. Review status: criteria provided, multiple submitters, no conflicts (2 of 4 stars). 8 submissions from 8 submitters: Benign (1); Likely benign (6). 1 of the submissions does not count toward it. Last evaluated 2026-05-18.

Conditions:
NF1-related disorder. Also called: NF1-related condition. Identifiers: MedGen CN379171.
Hereditary cancer-predisposing syndrome. Also called: Hereditary neoplastic syndrome; Neoplastic Syndromes, Hereditary; Hereditary Cancer Syndrome; Tumor predisposition. Identifiers: Orphanet 140162, MedGen C0027672, MeSH D009386, MONDO:0015356.
Neurofibromatosis, type 1 (NF1). Also called: NEUROFIBROMATOSIS, TYPE I, SOMATIC; Neurofibromatosis, type I; VON RECKLINGHAUSEN DISEASE; Peripheral type neurofibromatosis. Identifiers: Orphanet 636, MedGen C0027831, MONDO:0018975, OMIM 162200. Disease mechanism: loss of function.

Allele frequency attached by ClinVar (database versions not stated): ESP Exome Variant Server 0.00015; ExAC 0.00002; TOPMed 0.00016; gnomAD 0.00013 and 0.00011; gnomAD exomes 0.00001 and 0.00003.
gnomAD v4.1: 29 of 1,613,628 alleles (0.0018%); highest among the groups gnomAD compares: African/African-American, 0.037%; no homozygotes.

Submissions (8):

Myriad Genetics, Inc.
Classification: Benign for Neurofibromatosis, type 1. Last evaluated: 2026-05-18. Review status: criteria provided, single submitter. Criteria: Myriad Autosomal Dominant, Autosomal Recessive and X-Linked Classification Criteria (2023). Collection method: clinical testing. Allele origin: unknown.
Comment: This variant is considered benign. This variant is a silent/synonymous amino acid change and it is not expected to impact splicing.

Labcorp Genetics (formerly Invitae), Labcorp
Classification: Likely benign for Neurofibromatosis, type 1. Last evaluated: 2025-12-29. Review status: criteria provided, single submitter. Criteria: Invitae Variant Classification Sherloc (09022015). Collection method: clinical testing. Allele origin: germline.

Genome-Nilou Lab
Classification: Likely benign for Neurofibromatosis, type 1. Last evaluated: 2022-03-15. Review status: criteria provided, single submitter. Criteria: ACMG Guidelines, 2015. Collection method: clinical testing. Allele origin: germline. Affected: no.

Sema4
Classification: Likely benign for Hereditary cancer-predisposing syndrome. Last evaluated: 2022-01-27. Review status: criteria provided, single submitter. Criteria: Sema4 Curation Guidelines. Collection method: curation. Allele origin: germline.

Women's Health and Genetics/Laboratory Corporation of America, LabCorp
Classification: Likely benign. Last evaluated: 2021-04-03. Review status: criteria provided, single submitter. Criteria: LabCorp Variant Classification Summary - May 2015. Collection method: clinical testing. Allele origin: germline.

GeneDx
Classification: Likely benign. Last evaluated: 2020-03-25. Review status: criteria provided, single submitter. Criteria: GeneDx Variant Classification Process June 2021. Collection method: clinical testing. Allele origin: germline. Affected: yes.

Ambry Genetics
Classification: Likely benign for Hereditary cancer-predisposing syndrome. Last evaluated: 2015-01-02. Review status: criteria provided, single submitter. Criteria: Ambry Autosomal Dominant and X-Linked criteria (10/2015). Collection method: clinical testing. Allele origin: germline. Observed: 1 variant allele.

PreventionGenetics, part of Exact Sciences
Classification: Likely benign for NF1-related condition. Last evaluated: 2021-02-16. Review status: no assertion criteria provided. Collection method: clinical testing. Allele origin: germline. Not counted in ClinVar's aggregate classification.
Comment: This variant is classified as likely benign based on ACMG/AMP sequence variant interpretation guidelines (Richards et al. 2015 PMID: 25741868, with internal and published modifications).

NM_001042492.3(NF1):c.2838C>T (p.Asp946=)

Gene: NF1 (neurofibromin 1; plus strand). Cytogenetic location: 17q11.2.
Variant type: single nucleotide variant.
Coding change: c.2838C>T on transcript NM_001042492.3 (MANE Select); coding-DNA position 2838, C replaced by T.
Protein change: p.Asp946=; no amino-acid change (aspartic acid 946 retained).
Molecular consequence: synonymous variant.
Genome position (GRCh38, 1-based): chr17:31,229,453, C>T. VCF-style: chr17-31229453-C-T. GRCh37 (hg19) VCF-style: chr17-29556471-C-T.
Other names: c.2838C>T, p.Asp946= (NM_000267.4).
Identifiers: ClinVar variation 229844 (VCV000229844.20), dbSNP rs147188807, ClinGen allele CA8486028.